The following is an entry in ClinVar:

ClinVar aggregate classification (germline): Uncertain significance (1 of 4 stars; one submission).

gnomAD v4.1: 1 of 1,613,844 alleles (0.000062%); highest among the groups gnomAD compares: Non-Finnish European, 0.000085%; no homozygotes.

Submission:

GeneDx
Classification: Uncertain significance. Last evaluated: 2012-12-06. Review status: criteria provided, single submitter. Criteria: GeneDx Variant Classification (06012015). Collection method: clinical testing. Allele origin: germline. Affected: yes.
Comment: p.Val374Leu (GTA>CTA):c.1120 G>C in exon 11 of the PRKAG2 gene (NM_016203.3) The Val374Leu variant in the PRKAG2 gene has not been reported as a disease-causing mutation or as a benign polymorphism to our knowledge. Val374Leu results in a conservative amino acid substitution of non-polar amino acid with another at a position that is conserved across species. The NHLBI ESP Exome Variant Server reports Val374Leu was not observed in approximately 6,500 samples from individuals of European and African American backgrounds, indicating it is not a common benign variant in these populations. Nevertheless, no mutations in nearby codons have been reported in association with cardiomyopathy or WPW, indicating this region of the protein may be tolerant of change.With the clinical and molecular information available at this time, we cannot definitively determine if Val374Leu is a disease-causing mutation or a rare benign variant. The variant is found in HCM panel(s).

NM_016203.4(PRKAG2):c.1120G>C (p.Val374Leu)

Gene: PRKAG2 (protein kinase AMP-activated non-catalytic subunit gamma 2; minus strand). Cytogenetic location: 7q36.1.
Variant type: single nucleotide variant.
Coding change: c.1120G>C on transcript NM_016203.4 (MANE Select); coding-DNA position 1120, G replaced by C.
Protein change: p.Val374Leu; replaces valine 374 with leucine.
Molecular consequence: missense variant.
Genome position (GRCh38, 1-based): chr7:151,568,829, C>G on the plus strand (G>C on the coding strand, the complement: PRKAG2 is on the minus strand). VCF-style: chr7-151568829-C-G. GRCh37 (hg19) VCF-style: chr7-151265915-C-G.
Other names: p.V374L:GTA>CTA; c.988G>C, p.Val330Leu (NM_001040633.2); c.745G>C, p.Val249Leu (NM_001304527.2); c.397G>C, p.Val133Leu (NM_001304531.2, NM_024429.2); c.748G>C, p.Val250Leu (NM_001363698.2); short protein forms V374L, V133L, V330L, V249L, V250L.
Identifiers: ClinVar variation 181478 (VCV000181478.2), dbSNP rs730880979, ClinGen allele CA013591.
Genomic context (GRCh38, chr7:151,568,829, plus strand): 5'-TCCCACTGATAGGGTCAATAACGGGCAATCTGTGGATTTTATTTTTGATCAAGGAGTATA[C>G]AGCATCGAAGAGGCTGTGGGAGAAGTCATTAAAGTTGTTAGGAGGCTTTCGAGAAAAATC-3'
Protein context (NP_057287.2, residues 364-384): ISPDASLFDA[Val374Leu]YSLIKNKIHR